The following is an entry in ClinVar:

ClinVar aggregate classification (germline): Conflicting classifications of pathogenicity. Review status: criteria provided, conflicting classifications (1 of 4 stars). 3 submissions from 3 submitters: Uncertain significance (2); Likely benign (1). Last evaluated 2026-01-14.

Conditions:
Norman-Roberts syndrome (LIS2). Also called: Lissencephaly 2 (Norman-Roberts type). Identifiers: Orphanet 89844, MedGen C0796089, MONDO:0009760, OMIM 257320.
Familial temporal lobe epilepsy 7. Identifiers: Orphanet 101046, MedGen C4225327, MONDO:0014639, OMIM 616436.

Allele frequency attached by ClinVar (database versions not stated): TOPMed 0.00003; gnomAD 0.00004 and 0.00005; gnomAD exomes 0.00004; ExAC 0.00007; ESP Exome Variant Server 0.00008.
gnomAD v4.1: 66 of 1,613,864 alleles (0.0041%); highest among the groups gnomAD compares: African/African-American, 0.0053%; no homozygotes.

Submissions (3):

Women's Health and Genetics/Laboratory Corporation of America, LabCorp
Classification: Uncertain significance. Last evaluated: 2026-01-14. Review status: criteria provided, single submitter. Criteria: LabCorp Variant Classification Summary - May 2015. Collection method: clinical testing. Allele origin: germline.
Comment: Variant summary: RELN c.6632G>A (p.Arg2211His) results in a non-conservative amino acid change in the encoded protein sequence. Algorithms developed to predict the effect of missense changes on protein structure and function are either unavailable or do not agree on the potential impact of this missense change. The variant allele was found at a frequency of 4e-05 in 251318 control chromosomes. This frequency is not significantly higher than estimated for disease-causing variants in RELN, allowing no conclusion about variant significance. To our knowledge, no occurrence of c.6632G>A in individuals affected with RELN-related conditions and no experimental evidence demonstrating its impact on protein function have been reported. ClinVar contains an entry for this variant (Variation ID: 586404). Based on the evidence outlined above, the variant was classified as uncertain significance.

Labcorp Genetics (formerly Invitae), Labcorp
Classification: Likely benign for Familial temporal lobe epilepsy 7; Norman-Roberts syndrome. Last evaluated: 2025-09-27. Review status: criteria provided, single submitter. Criteria: Invitae Variant Classification Sherloc (09022015). Collection method: clinical testing. Allele origin: germline.

Athena Diagnostics
Classification: Uncertain significance. Last evaluated: 2017-11-28. Review status: criteria provided, single submitter. Criteria: Athena Diagnostics Criteria. Collection method: clinical testing. Allele origin: germline.

NM_005045.4(RELN):c.6632G>A (p.Arg2211His)

Gene: RELN (reelin; minus strand). Cytogenetic location: 7q22.1.
Variant type: single nucleotide variant.
Coding change: c.6632G>A on transcript NM_005045.4 (MANE Select); coding-DNA position 6632, G replaced by A.
Protein change: p.Arg2211His; replaces arginine 2211 with histidine.
Molecular consequence: missense variant.
Genome position (GRCh38, 1-based): chr7:103,542,770, C>T on the plus strand (G>A on the coding strand, the complement: RELN is on the minus strand). VCF-style: chr7-103542770-C-T. GRCh37 (hg19) VCF-style: chr7-103183217-C-T.
Other names: c.6632G>A, p.Arg2211His (NM_173054.3); short protein forms R2211H.
Identifiers: ClinVar variation 586404 (VCV000586404.10), dbSNP rs374088118, ClinGen allele CA4420922.
Genomic context (GRCh38, chr7:103,542,770, plus strand): 5'-ACAGCATCTAAAAATGATTACCTAGCATGTGATAAATCCAGGTCTCGTGTCATCAACATG[C>T]GCAAGCCATCTTCATTGAAAAAGAGGTTGTTTCCACTAGAAAGGATTCCACACTTTCGAG-3'
Protein context (NP_005036.2, residues 2201-2221): NNLFFNEDGL[Arg2211His]MLMTRDLDLS